The following is an entry in ClinVar:

ClinVar aggregate classification (germline): Uncertain significance. Review status: criteria provided, multiple submitters, no conflicts (2 of 4 stars). 3 submissions from 3 submitters: Uncertain significance (2). 1 of the submissions does not count toward it. Last evaluated 2024-04-17.

Conditions:
Brain abnormalities, neurodegeneration, and dysosteosclerosis. Identifiers: MedGen C5193117, MONDO:0032772, OMIM 618476.

Submissions (3):

Blueprint Genetics
Classification: Uncertain significance. Last evaluated: 2024-04-17. Review status: criteria provided, single submitter. Criteria: ACMG Guidelines, 2015. Collection method: clinical testing. Allele origin: germline.

Women's Health and Genetics/Laboratory Corporation of America, LabCorp
Classification: Uncertain significance. Last evaluated: 2022-11-22. Review status: criteria provided, single submitter. Criteria: LabCorp Variant Classification Summary - May 2015. Collection method: clinical testing. Allele origin: germline.
Comment: Variant summary: CSF1R c.1859-119G>A is located at a position not widely known to affect splicing. However, several computational tools predict a significant impact on normal splicing: Four predict the variant creates a cryptic 3 acceptor site. At least one publication reports experimental evidence that this variant results in creating a cryptic 3 acceptor site and having a 117-bp insertion into the open reading frame, thus leading to an elongated protein p.Ser620delins40, the inserted fragment is an extension of exon 14 to intron 13 and begins just after c.1859-119G>A (Guo_2019). The variant was absent in 31386 control chromosomes (gnomAD). c.1859-119G>A has been reported in the literature in a compound heterozygous individual affected with Brain Abnormalities, Neurodegeneration, And Dysosteosclerosis (Guo_2019). However, these data do not allow any conclusion about variant significance. To our knowledge, no experimental evidence demonstrating an impact on protein function has been reported. No clinical diagnostic laboratories have submitted clinical-significance assessments for this variant to ClinVar after 2014. Based on the evidence outlined above, the variant was classified as VUS-possibly pathogenic.

OMIM
Classification: Pathogenic for BRAIN ABNORMALITIES, NEURODEGENERATION, AND DYSOSTEOSCLEROSIS. Last evaluated: 2019-06-21. Review status: no assertion criteria provided. Collection method: literature only. Allele origin: germline. Not counted in ClinVar's aggregate classification.

Literature cited by the submitters: PubMed 30982609 (cited by Women's Health and Genetics/Laboratory Corporation of America, LabCorp and OMIM).

NM_001288705.3(CSF1R):c.1859-119G>A

Gene: CSF1R (colony stimulating factor 1 receptor; minus strand). Cytogenetic location: 5q32.
Variant type: single nucleotide variant.
Coding change: c.1859-119G>A on transcript NM_001288705.3 (MANE Select); 119 bases into the intron before coding-DNA position 1859, G replaced by A.
Molecular consequence: intron variant.
Genome position (GRCh38, 1-based): chr5:150,061,091, C>T on the plus strand (G>A on the coding strand, the complement: CSF1R is on the minus strand). VCF-style: chr5-150061091-C-T. GRCh37 (hg19) VCF-style: chr5-149440654-C-T.
Other names: IVS13AS, G-A, -119; c.1415-119G>A (NM_001375321.1); c.1859-119G>A (NM_005211.4, NM_001375320.1, NM_001349736.2).
Identifiers: ClinVar variation 635121 (VCV000635121.3), dbSNP rs1561912628, ClinGen allele CA913189499.